The following is an entry in ClinVar:

NM_005883.3(APC2):c.3369C>G (p.Pro1123=)

Gene: APC2 (APC regulator of Wnt signaling pathway 2; plus strand). Cytogenetic location: 19p13.3.
Variant type: single nucleotide variant.
Coding change: c.3369C>G on transcript NM_005883.3 (MANE Select); coding-DNA position 3369, C replaced by G.
Protein change: p.Pro1123=; no amino-acid change (proline 1123 retained).
Molecular consequence: synonymous variant.
Genome position (GRCh38, 1-based): chr19:1,466,670, C>G. VCF-style: chr19-1466670-C-G. GRCh37 (hg19) VCF-style: chr19-1466669-C-G.
Other names: c.3366C>G, p.Pro1122= (NM_001351273.1).
Identifiers: ClinVar variation 1895628 (VCV001895628.29), dbSNP rs758399348, ClinGen allele CA9045678.
Genomic context (GRCh38, chr19:1,466,670, plus strand): 5'-CGGCCCCAGCGAGGCTGAGCTGGACAGCACGTGGCGGGCGCCCGGGGCCACCTCGCTGCC[C>G]GTAGCCATTCCGGCTCCCCGGCGTAACCGAGGCCGGGGCCTGGGGGTGGAAGACGCCACG-3'
Protein context (NP_005874.1, residues 1113-1133): TWRAPGATSL[Pro1123=]VAIPAPRRNR

ClinVar aggregate classification (germline): Likely benign. Review status: criteria provided, multiple submitters, no conflicts (2 of 4 stars). 2 submissions from 2 submitters: Likely benign (2). Last evaluated 2022-03-01.

gnomAD v4.1: 51 of 1,503,808 alleles (0.0034%); highest among the groups gnomAD compares: East Asian, 0.044%; no homozygotes.

Submissions (2):

CeGaT Center for Human Genetics Tuebingen
Classification: Likely benign. Last evaluated: 2022-03-01. Review status: criteria provided, single submitter. Criteria: CeGaT Center For Human Genetics Tuebingen Variant Classification Criteria Version 2. Collection method: clinical testing. Allele origin: germline. Affected: yes. Observed: 1 variant allele.
Comment: APC2: BP4, BP7

Labcorp Genetics (formerly Invitae), Labcorp
Classification: Likely benign. Last evaluated: 2021-12-20. Review status: criteria provided, single submitter. Criteria: Invitae Variant Classification Sherloc (09022015). Collection method: clinical testing. Allele origin: germline.